The following is an entry in ClinVar:

ClinVar aggregate classification (germline): Pathogenic/Likely pathogenic. Review status: criteria provided, multiple submitters, no conflicts (2 of 4 stars). 3 submissions from 3 submitters: Pathogenic (2); Likely pathogenic (1). Last evaluated 2024-10-22.

Conditions:
PIEZO1-related disorder. Also called: PIEZO1-related condition; PIEZO1-Related Disorders.
Dehydrated hereditary stomatocytosis with or without pseudohyperkalemia and/or perinatal edema (DHS1). Also called: Dehydrated hereditary stomatocytosis 1 with or without pseudohyperkalemia and/or perinatal edema; PSEUDOHYPERKALEMIA EDINBURGH; DEHYDRATED HEREDITARY STOMATOCYTOSIS AND PSEUDOHYPERKALEMIA; DEHYDRATED HEREDITARY STOMATOCYTOSIS WITH PSEUDOHYPERKALEMIA AND PERINATAL EDEMA; Pseudohyperkalemia, familial, 1, due to red cell leak. Identifiers: Orphanet 3202, MedGen C4551512, MONDO:0008689, OMIM 194380.

Submissions (3):

PreventionGenetics, part of Exact Sciences
Classification: Pathogenic for PIEZO1-related condition. Last evaluated: 2024-10-22. Review status: criteria provided, single submitter. Criteria: ACMG Guidelines, 2015. Collection method: clinical testing. Allele origin: germline.
Comment: The PIEZO1 c.2005G>T variant is predicted to result in the amino acid substitution p.Asp669Tyr. This variant has been reported in individuals with episodic hemolytic anemia (Pérès et al. 2021. PubMed ID: 33973227), hereditary stomatocytosis (Andolfo et al. 2018. PubMed ID: 30187933; Li et al. 2019. PubMed ID: 31340627), and hereditary xerocytosis (Picard et al. 2019. PubMed ID: 30655378). This variant has not been reported in a large population database (gnomAD), indicating this variant is rare, and is interpreted as pathogenic in ClinVar. Taken together, this variant is interpreted as pathogenic.

Revvity Omics, Revvity
Classification: Likely pathogenic. Last evaluated: 2021-10-26. Review status: criteria provided, single submitter. Criteria: ACMG Guidelines, 2015. Collection method: clinical testing. Allele origin: germline.

Unidade de Eritropatologia e Metabolismo do Ferro, Centro Hospitalar e Universitário de Coimbra
Classification: Pathogenic for Dehydrated hereditary stomatocytosis with or without pseudohyperkalemia and/or perinatal edema. Last evaluated: 2020-01-08. Review status: criteria provided, single submitter. Criteria: ACMG Guidelines, 2015. Collection method: clinical testing. Allele origin: de novo. Inheritance: Sporadic. Affected: yes. Observed: 1 heterozygote.
Comment: This variant is not reported in the literature and is absent from large population studies. In sillico studies classify the Asp669Tyr variant as probable pathogenic (5/5).

NM_001142864.4(PIEZO1):c.2005G>T (p.Asp669Tyr)

Genes: HSALR1 (HSP90AB1 associated lncRNA 1; plus strand), PIEZO1 (piezo type mechanosensitive ion channel component 1 (Er blood group); minus strand). Cytogenetic location: 16q24.3.
Variant type: single nucleotide variant.
Coding change: c.2005G>T on transcript NM_001142864.4 (MANE Select); coding-DNA position 2005, G replaced by T.
Protein change: p.Asp669Tyr; replaces aspartic acid 669 with tyrosine.
Molecular consequence: missense variant.
Genome position (GRCh38, 1-based): chr16:88,734,531, C>A on the plus strand (G>T on the coding strand, the complement: PIEZO1 is on the minus strand). VCF-style: chr16-88734531-C-A. GRCh37 (hg19) VCF-style: chr16-88800939-C-A.
Other names: c.2005G>T (NM_001142864.3); short protein forms D669Y.
Identifiers: ClinVar variation 829815 (VCV000829815.8), dbSNP rs1597457977, ClinGen allele CA397114282.